The following is an entry in ClinVar:

NM_001367624.2(ZNF469):c.3516T>C (p.Arg1172=)

Gene: ZNF469 (zinc finger protein 469; plus strand). Cytogenetic location: 16q24.2.
Variant type: single nucleotide variant.
Coding change: c.3516T>C on transcript NM_001367624.2 (MANE Select); coding-DNA position 3516, T replaced by C.
Protein change: p.Arg1172=; no amino-acid change (arginine 1172 retained).
Molecular consequence: synonymous variant.
Genome position (GRCh38, 1-based): chr16:88,430,986, T>C. VCF-style: chr16-88430986-T-C. GRCh37 (hg19) VCF-style: chr16-88497394-T-C.
Other names: NM_001127464.1:c.3432T>C; p.Arg1172=.
Identifiers: ClinVar variation 285443 (VCV000285443.23), dbSNP rs111557381, ClinGen allele CA8224864.

ClinVar aggregate classification (germline): Benign/Likely benign. Review status: criteria provided, multiple submitters, no conflicts (2 of 4 stars). 9 submissions from 9 submitters: Benign (7); Likely benign (2). Last evaluated 2026-02-04.

Conditions:
Brittle cornea syndrome 1 (BCS1). Also called: EDS6B; FRAGILITAS OCULI WITH JOINT HYPEREXTENSIBILITY; DYSGENESIS MESODERMALIS CORNEAE ET SCLERAE; CORNEAL FRAGILITY, KERATOGLOBUS, BLUE SCLERAE, JOINT HYPEREXTENSIBILITY; Corneal fragility keratoglobus, blue sclerae AND joint hypermobility. Identifiers: Orphanet 90354, MedGen C0268344, MONDO:0024543, OMIM 229200.
Cardiovascular phenotype. Identifiers: MedGen CN230736.

Allele frequency attached by ClinVar (database versions not stated): 1000 Genomes Project 0.03814; 1000 Genomes Project 30x 0.03888; gnomAD exomes 0.05005 and 0.06755; ExAC 0.05562; TOPMed 0.05706; gnomAD 0.05874 and 0.06017.
gnomAD v4.1: 102,576 of 1,540,756 alleles (6.7%); highest among the groups gnomAD compares: Non-Finnish European, 7.3%; 3,791 homozygotes.

Submissions (9):

Labcorp Genetics (formerly Invitae), Labcorp
Classification: Benign. Last evaluated: 2026-02-04. Review status: criteria provided, single submitter. Criteria: Invitae Variant Classification Sherloc (09022015). Collection method: clinical testing. Allele origin: germline.

Women's Health and Genetics/Laboratory Corporation of America, LabCorp
Classification: Benign. Last evaluated: 2026-01-22. Review status: criteria provided, single submitter. Criteria: LabCorp Variant Classification Summary - May 2015. Collection method: clinical testing. Allele origin: germline.

Blueprint Genetics
Classification: Likely benign. Last evaluated: 2024-11-27. Review status: criteria provided, single submitter. Criteria: ACMG Guidelines, 2015. Collection method: clinical testing. Allele origin: germline.

Mayo Clinic Laboratories, Mayo Clinic
Classification: Benign. Last evaluated: 2022-04-26. Review status: criteria provided, single submitter. Criteria: ACMG Guidelines, 2015. Collection method: clinical testing. Allele origin: germline. Observed: 398 variant alleles.

Genome-Nilou Lab
Classification: Benign for Brittle cornea syndrome 1. Last evaluated: 2021-12-05. Review status: criteria provided, single submitter. Criteria: ACMG Guidelines, 2015. Collection method: clinical testing. Allele origin: germline. Affected: no.

Ambry Genetics
Classification: Benign for Cardiovascular phenotype. Last evaluated: 2019-01-07. Review status: criteria provided, single submitter. Criteria: Ambry Variant Classification Scheme 2023. Collection method: clinical testing. Allele origin: germline.

GeneDx
Classification: Benign. Last evaluated: 2016-10-18. Review status: criteria provided, single submitter. Criteria: GeneDx Variant Classification (06012015). Collection method: clinical testing. Allele origin: germline. Affected: yes.
Comment: This variant is considered likely benign or benign based on one or more of the following criteria: it is a conservative change, it occurs at a poorly conserved position in the protein, it is predicted to be benign by multiple in silico algorithms, and/or has population frequency not consistent with disease.

Eurofins Ntd Llc (ga)
Classification: Benign. Last evaluated: 2015-12-28. Review status: criteria provided, single submitter. Criteria: EGL Classification Definitions 2015. Collection method: clinical testing. Allele origin: germline. Observed: 4 variant alleles, 4 heterozygotes.

Breakthrough Genomics
Classification: Likely benign. Review status: criteria provided, single submitter. Criteria: ACMG Guidelines, 2015. Collection method: not provided. Allele origin: germline. Inheritance: Autosomal recessive inheritance. Affected: yes.